The following is an entry in ClinVar:

NM_005477.3(HCN4):c.2937dup (p.Gly980fs)

Gene: HCN4 (hyperpolarization activated cyclic nucleotide gated potassium channel 4; minus strand). Cytogenetic location: 15q24.1.
Variant type: Duplication.
Coding change: c.2937dup on transcript NM_005477.3 (MANE Select); coding-DNA position 2937, one base duplicated (C; older notation c.2937dupC).
Protein change: p.Gly980fs; shifts the reading frame from glycine 980.
Molecular consequence: frameshift variant.
Genome position (GRCh38, 1-based): chr15:73,323,156, G duplicated on the plus strand (C on the coding strand, the reverse complement: HCN4 is on the minus strand); the first of 3 consecutive G bases (chr15:73,323,156-73,323,158); duplicating any one gives the same sequence. VCF-style (leftmost placement, unchanged base first): chr15-73323155-C-CG. GRCh37 (hg19) VCF-style: chr15-73615496-C-CG.
Other names: short protein forms G980fs.
Identifiers: ClinVar variation 4727616 (VCV004727616.1).

ClinVar aggregate classification (germline): Uncertain significance (1 of 4 stars; one submission).

Conditions:
Brugada syndrome 8 (BRGDA8). Identifiers: Orphanet 130, MedGen C2751083, MONDO:0013148, OMIM 613123.

Submission:

Labcorp Genetics (formerly Invitae), Labcorp
Classification: Uncertain significance for Brugada syndrome 8. Last evaluated: 2025-09-27. Review status: criteria provided, single submitter. Criteria: Invitae Variant Classification Sherloc (09022015). Collection method: clinical testing. Allele origin: germline.
Comment: This sequence change creates a premature translational stop signal (p.Gly980Argfs*23) in the HCN4 gene. While this is not anticipated to result in nonsense mediated decay, it is expected to disrupt the last 224 amino acid(s) of the HCN4 protein. This variant is not present in population databases (gnomAD no frequency). This variant has not been reported in the literature in individuals affected with HCN4-related conditions. Experimental studies and prediction algorithms are not available or were not evaluated, and the functional significance of this variant is currently unknown. In summary, the available evidence is currently insufficient to determine the role of this variant in disease. Therefore, it has been classified as a Variant of Uncertain Significance.